The following is an entry in ClinVar:

ClinVar aggregate classification (germline): Uncertain significance (1 of 4 stars; one submission).

Conditions:
NPHP1-related disorder. Also called: NPHP1-related condition; NPHP1-related disorders.

Submission:

PreventionGenetics, part of Exact Sciences
Classification: Uncertain significance for NPHP1-related condition. Last evaluated: 2023-09-01. Review status: criteria provided, single submitter. Criteria: ACMG Guidelines, 2015. Collection method: clinical testing. Allele origin: germline.
Comment: The NPHP1 c.1880T>C variant is predicted to result in the amino acid substitution p.Leu627Pro. To our knowledge, this variant has not been reported in the literature or in a large population database, indicating this variant is rare. At this time, the clinical significance of this variant is uncertain due to the absence of conclusive functional and genetic evidence.

NM_001128178.3(NPHP1):c.1712T>C (p.Leu571Pro)

Gene: NPHP1 (nephrocystin 1; minus strand). Cytogenetic location: 2q13.
Variant type: single nucleotide variant.
Coding change: c.1712T>C on transcript NM_001128178.3 (MANE Select); coding-DNA position 1712, T replaced by C.
Protein change: p.Leu571Pro; replaces leucine 571 with proline.
Molecular consequence: missense variant.
Genome position (GRCh38, 1-based): chr2:110,129,190, A>G on the plus strand (T>C on the coding strand, the complement: NPHP1 is on the minus strand). VCF-style: chr2-110129190-A-G. GRCh37 (hg19) VCF-style: chr2-110886767-A-G.
Other names: c.1880T>C, p.Leu627Pro (NM_000272.5); c.1523T>C, p.Leu508Pro (NM_001128179.3); c.1709T>C, p.Leu570Pro (NM_001374256.1); c.1712T>C, p.Leu571Pro (NM_001374257.1); c.1877T>C, p.Leu626Pro (NM_207181.4); short protein forms L508P, L570P, L571P, L626P, L627P.
Identifiers: ClinVar variation 2630911 (VCV002630911.1), dbSNP rs2467154694, ClinGen allele CA348086766.
Genomic context (GRCh38, chr2:110,129,190, plus strand): 5'-AGTGTATAACTGCTTCCATAAGCCAGCAGGTTTCCATTGCAATGCATGCTACCCACCCTG[A>G]GAGCATCCATCACATCAGGCTGCTCCAAGAGCATGGGGAAGGTGGCCAGCATGGGATGGC-3'
Protein context (NP_001121650.1, residues 561-581): LLEQPDVMDA[Leu571Pro]RSSWAGKEST